The following is an entry in ClinVar:

NM_015868.3(KIR2DL3):c.862G>A (p.Val288Met)

Gene: KIR2DL3 (killer cell immunoglobulin like receptor, two Ig domains and long cytoplasmic tail 3). Cytogenetic location: 19q13.42.
Variant type: single nucleotide variant.
Coding change: c.862G>A on transcript NM_015868.3 (MANE Select); coding-DNA position 862, G replaced by A.
Protein change: p.Val288Met; replaces valine 288 with methionine.
Molecular consequence: missense variant.
Genome position (GRCh38, 1-based): chr19:54,752,257, G>A. VCF-style: chr19-54752257-G-A. GRCh37 (hg19) VCF-style: chr19-55263709-G-A.
Other names: short protein forms V288M.
Identifiers: ClinVar variation 2472034 (VCV002472034.26), dbSNP rs761178973, ClinGen allele CA309865610.

ClinVar aggregate classification (germline): Conflicting classifications of pathogenicity. Review status: criteria provided, conflicting classifications (1 of 4 stars). 2 submissions from 2 submitters: Uncertain significance (1); Likely benign (1). Last evaluated 2023-02-16.

Allele frequency attached by ClinVar (database versions not stated): ExAC 0.00005; gnomAD 0.00010; gnomAD exomes 0.00012.
gnomAD v4.1: 178 of 1,482,316 alleles (0.012%); highest among the groups gnomAD compares: Non-Finnish European, 0.015%; 39 homozygotes.

Submissions (2):

Ambry Genetics
Classification: Uncertain significance. Last evaluated: 2023-02-16. Review status: criteria provided, single submitter. Criteria: Ambry Variant Classification Scheme 2023. Collection method: clinical testing. Allele origin: germline.

CeGaT Center for Human Genetics Tuebingen
Classification: Likely benign. Last evaluated: 2022-12-01. Review status: criteria provided, single submitter. Criteria: CeGaT Center For Human Genetics Tuebingen Variant Classification Criteria Version 2. Collection method: clinical testing. Allele origin: germline. Affected: yes. Observed: 1 variant allele.
Comment: KIR2DL3: BP4, BS2